The following is an entry in ClinVar:

ClinVar aggregate classification (germline): Conflicting classifications of pathogenicity. Review status: criteria provided, conflicting classifications (1 of 4 stars). 3 submissions from 3 submitters: Likely pathogenic (2); Uncertain significance (1). Last evaluated 2026-03-25.

Conditions:
Deficiency of UDPglucose-hexose-1-phosphate uridylyltransferase. Also called: GALT deficiency; Galactosemia, classic; GALACTOSE-1-PHOSPHATE URIDYLYLTRANSFERASE DEFICIENCY; Transferase Deficiency Galactosemia; GALACTOSEMIA I. Identifiers: Orphanet 352, Orphanet 79239, MedGen C0268151, MONDO:0009258, OMIM 230400.

Submissions (3):

Myriad Genetics, Inc.
Classification: Uncertain significance for Deficiency of UDPglucose-hexose-1-phosphate uridylyltransferase. Last evaluated: 2026-03-25. Review status: criteria provided, single submitter. Criteria: Myriad Autosomal Dominant, Autosomal Recessive and X-Linked Classification Criteria (2023). Collection method: clinical testing. Allele origin: unknown.
Comment: NM_000155.3(GALT):c.133T>C(S45P) is a missense variant classified as a variant of uncertain significance in the context of galactosemia. S45P has not been observed in cases with relevant disease. Relevant functional assessments of this variant are not available in the literature. S45P has not been observed in referenced population frequency databases. In summary, there is insufficient evidence to classify NM_000155.3(GALT):c.133T>C(S45P) as pathogenic or benign. Please note: this variant was assessed in the context of healthy population screening.

Labcorp Genetics (formerly Invitae), Labcorp
Classification: Likely pathogenic for Deficiency of UDPglucose-hexose-1-phosphate uridylyltransferase. Last evaluated: 2023-11-22. Review status: criteria provided, single submitter. Criteria: Invitae Variant Classification Sherloc (09022015). Collection method: clinical testing. Allele origin: germline.
Comment: This sequence change replaces serine, which is neutral and polar, with proline, which is neutral and non-polar, at codon 45 of the GALT protein (p.Ser45Pro). This variant is not present in population databases (gnomAD no frequency). This variant has not been reported in the literature in individuals affected with GALT-related conditions. ClinVar contains an entry for this variant (Variation ID: 1331063). Advanced modeling of protein sequence and biophysical properties (such as structural, functional, and spatial information, amino acid conservation, physicochemical variation, residue mobility, and thermodynamic stability) performed at Invitae indicates that this missense variant is expected to disrupt GALT protein function with a positive predictive value of 95%. This variant disrupts the p.Ser45 amino acid residue in GALT. Other variant(s) that disrupt this residue have been determined to be pathogenic (PMID: 10399107, 34030713). This suggests that this residue is clinically significant, and that variants that disrupt this residue are likely to be disease-causing. In summary, the currently available evidence indicates that the variant is pathogenic, but additional data are needed to prove that conclusively. Therefore, this variant has been classified as Likely Pathogenic.

ARUP Laboratories, Molecular Genetics and Genomics, ARUP Laboratories
Classification: Likely pathogenic for Deficiency of UDPglucose-hexose-1-phosphate uridylyltransferase. Last evaluated: 2020-11-23. Review status: criteria provided, single submitter. Criteria: ARUP Molecular Germline Variant Investigation Process 2021. Collection method: clinical testing. Allele origin: germline.
Comment: The GALT c.133T>C; p.Ser45Pro variant, to our knowledge, is not reported in the medical literature or gene specific databases. However, another variant in the same codon, c.134C>T; p.Ser45Leu, has been described in a newborn with classic galactosemia (Zekanowski 1999). The c.133T>C; p.Ser45Pro variant is also absent from general population databases (Exome Variant Server, Genome Aggregation Database), indicating it is not a common polymorphism. The serine at codon 45 is moderately conserved, but computational analyses predict that this variant is deleterious (REVEL: 0.982). Based on available information, this variant is classified as likely pathogenic. References: Zekanowski C et al. Molecular characterization of Polish patients with classical galactosaemia. J Inherit Metab Dis. 1999 Jun;22(5):679-82. References: Zekanowski C et al. Molecular characterization of Polish patients with classical galactosaemia. J Inherit Metab Dis. 1999 Jun;22(5):679-82.

Literature cited by the submitters: PubMed 10399107 (cited by Labcorp Genetics (formerly Invitae), Labcorp); PubMed 34030713 (cited by Labcorp Genetics (formerly Invitae), Labcorp).

NM_000155.4(GALT):c.133T>C (p.Ser45Pro)

Genes: GALT (galactose-1-phosphate uridylyltransferase; plus strand), LOC130001683 (ATAC-STARR-seq lymphoblastoid active region 28314; plus strand). Cytogenetic location: 9p13.3.
Variant type: single nucleotide variant.
Coding change: c.133T>C on transcript NM_000155.4 (MANE Select); coding-DNA position 133, T replaced by C.
Protein change: p.Ser45Pro; replaces serine 45 with proline.
Molecular consequence: missense variant. On other transcripts: 5 prime UTR variant (1).
Genome position (GRCh38, 1-based): chr9:34,647,139, T>C. VCF-style: chr9-34647139-T-C. GRCh37 (hg19) VCF-style: chr9-34647136-T-C.
Other names: c.-70T>C (NM_001258332.2); short protein forms S45P.
Identifiers: ClinVar variation 1331063 (VCV001331063.11), dbSNP rs2132341560, ClinGen allele CA373278586.
Genomic context (GRCh38, chr9:34,647,139, plus strand): 5'-CTGCCCCCAGACCATCAGCATATCCGCTACAACCCGCTGCAGGATGAGTGGGTGCTGGTG[T>C]CAGCTCACCGCATGAAGCGGCCCTGGCAGGGTCAAGTGGAGCCCCAGCTTCTGAAGACAG-3'
Protein context (NP_000146.2, residues 35-55): NPLQDEWVLV[Ser45Pro]AHRMKRPWQG